The following is an entry in ClinVar:

ClinVar aggregate classification (germline): Benign. Review status: criteria provided, single submitter (1 of 4 stars). 2 submissions from 2 submitters: Benign (1). 1 of the submissions does not count toward it. Last evaluated 2026-01-27.

Conditions:
MHC class I deficiency. Identifiers: Orphanet 34592, MedGen C6024714, MONDO:0011476.
TAPBP-related disorder. Also called: TAPBP-related condition.

Allele frequency attached by ClinVar (database versions not stated): ESP Exome Variant Server 0.00008; ExAC 0.00260; 1000 Genomes Project 30x 0.00968; gnomAD exomes 0.00277 and 0.00049; 1000 Genomes Project 0.01058; gnomAD 0.00080 and 0.00119; TOPMed 0.00133.

Submissions (2):

Labcorp Genetics (formerly Invitae), Labcorp
Classification: Benign for MHC class I deficiency 1. Last evaluated: 2026-01-27. Review status: criteria provided, single submitter. Criteria: Invitae Variant Classification Sherloc (09022015). Collection method: clinical testing. Allele origin: germline.

PreventionGenetics, part of Exact Sciences
Classification: Benign for TAPBP-related condition. Last evaluated: 2019-08-30. Review status: no assertion criteria provided. Collection method: clinical testing. Allele origin: germline. Not counted in ClinVar's aggregate classification.
Comment: This variant is classified as benign based on ACMG/AMP sequence variant interpretation guidelines (Richards et al. 2015 PMID: 25741868, with internal and published modifications).

NM_003190.5(TAPBP):c.103G>A (p.Gly35Arg)

Gene: TAPBP (TAP binding protein; minus strand). Cytogenetic location: 6p21.32.
Variant type: single nucleotide variant.
Coding change: c.103G>A on transcript NM_003190.5 (MANE Select); coding-DNA position 103, G replaced by A.
Protein change: p.Gly35Arg; replaces glycine 35 with arginine.
Molecular consequence: missense variant.
Genome position (GRCh38, 1-based): chr6:33,313,799, C>T on the plus strand (G>A on the coding strand, the complement: TAPBP is on the minus strand). VCF-style: chr6-33313799-C-T. GRCh37 (hg19) VCF-style: chr6-33281576-C-T.
Other names: c.103G>A, p.Gly35Arg (NM_172208.3, NM_172209.3); short protein forms G35R.
Identifiers: ClinVar variation 785728 (VCV000785728.13), dbSNP rs117394742, ClinGen allele CA3755966.